The following is an entry in ClinVar:

ClinVar aggregate classification (germline): Uncertain significance (1 of 4 stars; one submission).

Conditions:
Galactosylceramide beta-galactosidase deficiency. Also called: Leukodystrophy, Globoid Cell; Krabbe Disease; GALACTOCEREBROSIDASE DEFICIENCY; GALC DEFICIENCY; GLOBOID CELL LEUKOENCEPHALOPATHY. Identifiers: Orphanet 487, MedGen C0023521, MONDO:0009499, OMIM 245200.

gnomAD v4.1: 1 of 1,614,038 alleles (0.000062%); no homozygotes.

Submission:

Labcorp Genetics (formerly Invitae), Labcorp
Classification: Uncertain significance for Galactosylceramide beta-galactosidase deficiency. Last evaluated: 2022-02-18. Review status: criteria provided, single submitter. Criteria: Invitae Variant Classification Sherloc (09022015). Collection method: clinical testing. Allele origin: germline.
Comment: Algorithms developed to predict the effect of sequence changes on RNA splicing suggest that this variant may create or strengthen a splice site. In summary, the available evidence is currently insufficient to determine the role of this variant in disease. Therefore, it has been classified as a Variant of Uncertain Significance. Advanced modeling of protein sequence and biophysical properties (such as structural, functional, and spatial information, amino acid conservation, physicochemical variation, residue mobility, and thermodynamic stability) performed at Invitae indicates that this missense variant is expected to disrupt GALC protein function. This variant has not been reported in the literature in individuals affected with GALC-related conditions. This variant is present in population databases (no rsID available, gnomAD no frequency). This sequence change replaces glycine, which is neutral and non-polar, with serine, which is neutral and polar, at codon 181 of the GALC protein (p.Gly181Ser).

NM_000153.4(GALC):c.541G>A (p.Gly181Ser)

Gene: GALC (galactosylceramidase; minus strand). Cytogenetic location: 14q31.3.
Variant type: single nucleotide variant.
Coding change: c.541G>A on transcript NM_000153.4 (MANE Select); coding-DNA position 541, G replaced by A.
Protein change: p.Gly181Ser; replaces glycine 181 with serine.
Molecular consequence: missense variant.
Genome position (GRCh38, 1-based): chr14:87,984,435, C>T on the plus strand (G>A on the coding strand, the complement: GALC is on the minus strand). VCF-style: chr14-87984435-C-T. GRCh37 (hg19) VCF-style: chr14-88450779-C-T.
Other names: c.472G>A, p.Gly158Ser (NM_001201401.2); c.463G>A, p.Gly155Ser (NM_001201402.2); short protein forms G158S, G181S, G155S.
Identifiers: ClinVar variation 2098333 (VCV002098333.4), dbSNP rs1309564348, ClinGen allele CA390751538.